The following is an entry in ClinVar:

NM_000138.5(FBN1):c.7376G>C (p.Cys2459Ser)

Gene: FBN1 (fibrillin 1; minus strand). Cytogenetic location: 15q21.1.
Variant type: single nucleotide variant.
Coding change: c.7376G>C on transcript NM_000138.5 (MANE Select); coding-DNA position 7376, G replaced by C.
Protein change: p.Cys2459Ser; replaces cysteine 2459 with serine.
Molecular consequence: missense variant.
Genome position (GRCh38, 1-based): chr15:48,425,446, C>G on the plus strand (G>C on the coding strand, the complement: FBN1 is on the minus strand). VCF-style: chr15-48425446-C-G. GRCh37 (hg19) VCF-style: chr15-48717643-C-G.
Other names: c.7376G>C, p.Cys2459Ser (NM_001406716.1); short protein forms C2459S.
Identifiers: ClinVar variation 4293666 (VCV004293666.1).

ClinVar aggregate classification (germline): Uncertain significance (1 of 4 stars; one submission).

Conditions:
Marfan syndrome (MFS). Also called: MARFAN SYNDROME, TYPE I; Marfan syndrome type 1; Marfan's syndrome; Marfan syndrome, classic; FBN1-Related Marfan Syndrome. Identifiers: Orphanet 284963, Orphanet 558, MedGen C0024796, MONDO:0007947, OMIM 154700.

Submission:

3billion
Classification: Uncertain significance for Marfan syndrome. Last evaluated: 2024-08-27. Review status: criteria provided, single submitter. Criteria: ACMG Guidelines, 2015. Collection method: clinical testing. Allele origin: germline. Affected: yes.
Comment: The variant is not observed in the gnomAD v4.0.0 dataset. Predicted Consequence/Location: Missense variant In silico tool predictions suggest damaging effect of the variant on gene or gene product [REVEL: 0.87 (>=0.6, sensitivity 0.68 and specificity 0.92); 3Cnet: 0.73 (>=0.6, sensitivity 0.72 and precision 0.9)]. Different missense changes at the same codon (p.Cys2459Arg, p.Cys2459Phe, p.Cys2459Tyr) have been reported as pathogenic/likely pathogenic (ClinVar ID: VCV000449794, VCV000664702 /PMID: 33059708). Therefore, this variant is classified as VUS according to the recommendation of ACMG/AMP guideline.

Literature cited by the submitters: PubMed 33059708.